The following is an entry in ClinVar:

ClinVar aggregate classification (germline): Benign/Likely benign. Review status: criteria provided, multiple submitters, no conflicts (2 of 4 stars). 3 submissions from 3 submitters: Benign (1); Likely benign (2). Last evaluated 2025-12-10.

Submissions (3):

Labcorp Genetics (formerly Invitae), Labcorp
Classification: Benign. Last evaluated: 2025-12-10. Review status: criteria provided, single submitter. Criteria: Invitae Variant Classification Sherloc (09022015). Collection method: clinical testing. Allele origin: germline.

Blueprint Genetics
Classification: Likely benign. Last evaluated: 2024-11-22. Review status: criteria provided, single submitter. Criteria: ACMG Guidelines, 2015. Collection method: clinical testing. Allele origin: germline.

GeneDx
Classification: Likely benign. Last evaluated: 2018-01-25. Review status: criteria provided, single submitter. Criteria: GeneDx Variant Classification (06012015). Collection method: clinical testing. Allele origin: germline. Affected: yes.
Comment: This variant is considered likely benign or benign based on one or more of the following criteria: it is a conservative change, it occurs at a poorly conserved position in the protein, it is predicted to be benign by multiple in silico algorithms, and/or has population frequency not consistent with disease.

NM_018060.4(IARS2):c.699+17dup

Gene: IARS2 (isoleucyl-tRNA synthetase 2, mitochondrial; plus strand). Cytogenetic location: 1q41.
Variant type: Duplication.
Coding change: c.699+17dup on transcript NM_018060.4 (MANE Select); 17 bases into the intron after coding-DNA position 699, one base duplicated (T; older notation c.699+17dupT).
Molecular consequence: intron variant.
Genome position (GRCh38, 1-based): chr1:220,102,294, T duplicated; the last of 6 consecutive T bases (chr1:220,102,289-220,102,294); duplicating any one gives the same sequence. VCF-style (leftmost placement, unchanged base first): chr1-220102288-A-AT. GRCh37 (hg19) VCF-style: chr1-220275630-A-AT.
Other names: c.699+17dupT (NM_018060.3).
Identifiers: ClinVar variation 420982 (VCV000420982.9), dbSNP rs571001903, ClinGen allele CA1401178.